The following is an entry in ClinVar:

ClinVar aggregate classification (germline): Pathogenic (1 of 4 stars; one submission).

Conditions:
Joubert syndrome 3 (JBTS3). Also called: AHI1-related Ciliopathy. Identifiers: Orphanet 220493, MedGen C1837713, MONDO:0012078, OMIM 608629.

Submission:

Myriad Genetics, Inc.
Classification: Pathogenic for Joubert syndrome 3. Last evaluated: 2025-03-26. Review status: criteria provided, single submitter. Criteria: Myriad Autosomal Dominant, Autosomal Recessive and X-Linked Classification Criteria (2023). Collection method: clinical testing. Allele origin: unknown.
Comment: NM_001134831.1(AHI1):c.297delCinsTA(L101Ifs*9) is expected to be pathogenic in the context of Joubert syndrome, AHI1-related. This variant is predicted to lead to an abnormal or absent protein product due to the creation of a premature termination codon in AHI1, a gene where loss-of-function variants are known to be pathogenic. Please note: this variant was assessed in the context of healthy population screening.

NM_001134831.2(AHI1):c.297delinsTA (p.Leu101fs)

Gene: AHI1 (Abelson helper integration site 1; minus strand). Cytogenetic location: 6q23.3.
Variant type: Indel.
Coding change: c.297delinsTA on transcript NM_001134831.2 (MANE Select); coding-DNA position 297, C replaced by TA.
Protein change: p.Leu101fs; shifts the reading frame from leucine 101.
Molecular consequence: frameshift variant.
Genome position (GRCh38, 1-based): chr6:135,466,266, G replaced by TA on the plus strand (C replaced by TA on the coding strand, the reverse complement: AHI1 is on the minus strand). VCF-style: chr6-135466266-G-TA. GRCh37 (hg19) VCF-style: chr6-135787404-G-TA.
Other names: c.297delinsTA, p.Leu101fs (NM_001134830.2, NM_001134832.2, NM_001350503.2 and 2 more transcripts); short protein forms L101fs.
Identifiers: ClinVar variation 5014262 (VCV005014262.1).